The following is an entry in ClinVar:

ClinVar aggregate classification (germline): Uncertain significance (1 of 4 stars; one submission).

Allele frequency attached by ClinVar (database versions not stated): gnomAD 0.00003; gnomAD exomes 0.00002; TOPMed 0.00003; ExAC 0.00004.
gnomAD v4.1: 32 of 1,613,822 alleles (0.002%); highest among the groups gnomAD compares: East Asian, 0.042%; 1 homozygote.

Submission:

Labcorp Genetics (formerly Invitae), Labcorp
Classification: Uncertain significance. Last evaluated: 2025-04-17. Review status: criteria provided, single submitter. Criteria: Invitae Variant Classification Sherloc (09022015). Collection method: clinical testing. Allele origin: germline.
Comment: This sequence change affects codon 894 of the NALCN mRNA. It is a 'silent' change, meaning that it does not change the encoded amino acid sequence of the NALCN protein. This variant is present in population databases (rs755128282, gnomAD 0.05%). This variant has not been reported in the literature in individuals affected with NALCN-related conditions. ClinVar contains an entry for this variant (Variation ID: 2981033). Algorithms developed to predict the effect of sequence changes on RNA splicing suggest that this variant may disrupt the consensus splice site. In summary, the available evidence is currently insufficient to determine the role of this variant in disease. Therefore, it has been classified as a Variant of Uncertain Significance.

NM_052867.4(NALCN):c.2682C>T (p.Ile894=)

Gene: NALCN (sodium leak channel, non-selective; minus strand). Cytogenetic location: 13q33.1.
Variant type: single nucleotide variant.
Coding change: c.2682C>T on transcript NM_052867.4 (MANE Select); coding-DNA position 2682, C replaced by T.
Protein change: p.Ile894=; no amino-acid change (isoleucine 894 retained).
Molecular consequence: synonymous variant.
Genome position (GRCh38, 1-based): chr13:101,104,605, G>A on the plus strand (C>T on the coding strand, the complement: NALCN is on the minus strand). VCF-style: chr13-101104605-G-A. GRCh37 (hg19) VCF-style: chr13-101756956-G-A.
Other names: c.2769C>T, p.Ile923= (NM_001350748.2); c.2682C>T, p.Ile894= (NM_001350749.2); c.2595C>T, p.Ile865= (NM_001350750.2, NM_001350751.2).
Identifiers: ClinVar variation 2981033 (VCV002981033.3), dbSNP rs755128282, ClinGen allele CA7035618.
Genomic context (GRCh38, chr13:101,104,605, plus strand): 5'-ATGCATGACTCTTCGAAACGGGGACTCAAACATCATGGAAATGCAAGAGCAGATGGTTAC[G>A]ATGATCATGACCCAGTCCAGGTAAGTGACCAATCCCAGCAAATCACTGCCAAAGACCAAA-3'
Protein context (NP_443099.1, residues 884-904): LVTYLDWVMI[Ile894=]VTICSCISMM